The following is an entry in ClinVar:

NM_006904.7(PRKDC):c.2140-13_2140-11del

Gene: PRKDC (protein kinase, DNA-activated, catalytic subunit; minus strand). Cytogenetic location: 8q11.21.
Variant type: Microsatellite.
Coding change: c.2140-13_2140-11del on transcript NM_006904.7 (MANE Select); 13 bases into the intron before coding-DNA position 2140 through 11 bases into the intron before coding-DNA position 2140, 3 bases deleted (CTT; older notation c.2140-13_2140-11delCTT).
Molecular consequence: intron variant.
Genome position (GRCh38, 1-based): chr8:47,927,901-47,927,903, AAG deleted on the plus strand (CTT on the coding strand, the reverse complement: PRKDC is on the minus strand); deleting any 3 consecutive bases within chr8:47,927,901-47,927,907 gives the same sequence; the c. name uses the placement nearest the transcript's 3' end. VCF-style (leftmost placement, unchanged base first): chr8-47927900-AAAG-A. GRCh37 (hg19) VCF-style: chr8-48840460-AAAG-A.
Other names: c.2140-13_2140-11delCTT (NM_006904.6, NM_006904.7); c.2140-13_2140-11del (NM_001081640.2).
Identifiers: ClinVar variation 506621 (VCV000506621.10), dbSNP rs370706897, ClinGen allele CA4741527.

ClinVar aggregate classification (germline): Benign. Review status: criteria provided, multiple submitters, no conflicts (2 of 4 stars). 3 submissions from 3 submitters: Benign (3). Last evaluated 2026-04-20.

Conditions:
Severe combined immunodeficiency due to DNA-PKcs deficiency. Also called: IMMUNODEFICIENCY 26 WITH NEUROLOGIC ABNORMALITIES; Immunodeficiency 26 with or without neurologic abnormalities. Identifiers: Orphanet 317425, MedGen C4014833, MONDO:0014423, OMIM 615966.

Submissions (3):

Women's Health and Genetics/Laboratory Corporation of America, LabCorp
Classification: Benign. Last evaluated: 2026-04-20. Review status: criteria provided, single submitter. Criteria: LabCorp Variant Classification Summary - May 2015. Collection method: clinical testing. Allele origin: germline.

Labcorp Genetics (formerly Invitae), Labcorp
Classification: Benign for Severe combined immunodeficiency due to DNA-PKcs deficiency. Last evaluated: 2026-02-01. Review status: criteria provided, single submitter. Criteria: Invitae Variant Classification Sherloc (09022015). Collection method: clinical testing. Allele origin: germline.

GeneDx
Classification: Benign. Last evaluated: 2017-09-01. Review status: criteria provided, single submitter. Criteria: GeneDx Variant Classification (06012015). Collection method: clinical testing. Allele origin: germline. Affected: yes.
Comment: This variant is considered likely benign or benign based on one or more of the following criteria: it is a conservative change, it occurs at a poorly conserved position in the protein, it is predicted to be benign by multiple in silico algorithms, and/or has population frequency not consistent with disease.